The following is an entry in ClinVar:

NM_002691.4(POLD1):c.1384-16C>T

Gene: POLD1 (DNA polymerase delta 1, catalytic subunit; plus strand). Cytogenetic location: 19q13.33.
Variant type: single nucleotide variant.
Coding change: c.1384-16C>T on transcript NM_002691.4 (MANE Select); 16 bases into the intron before coding-DNA position 1384, C replaced by T.
Molecular consequence: intron variant.
Genome position (GRCh38, 1-based): chr19:50,406,391, C>T. VCF-style: chr19-50406391-C-T. GRCh37 (hg19) VCF-style: chr19-50909648-C-T.
Other names: c.1384-16C>T (NM_001256849.1, NM_001308632.1).
Identifiers: ClinVar variation 3904164 (VCV003904164.1).

ClinVar aggregate classification (germline): Likely benign (1 of 4 stars; one submission).

Conditions:
POLD1-related polyposis and colorectal cancer syndrome (CRCS10). Also called: Colorectal cancer 10; COLORECTAL CANCER, SUSCEPTIBILITY TO, ON CHROMOSOME 19q; Colorectal cancer, susceptibility to, 10. Identifiers: Orphanet 220460, MedGen C2675481, MONDO:0012953, OMIM 612591.

gnomAD v4.1: 1 of 1,606,348 alleles (0.000062%); highest among the groups gnomAD compares: Non-Finnish European, 0.000085%; no homozygotes.

Submission:

Myriad Genetics, Inc.
Classification: Likely benign for POLD1-related polyposis and colorectal cancer syndrome. Last evaluated: 2025-02-06. Review status: criteria provided, single submitter. Criteria: Myriad Autosomal Dominant, Autosomal Recessive and X-Linked Classification Criteria (2023). Collection method: clinical testing. Allele origin: unknown.
Comment: This variant is considered likely benign. This variant is intronic and is not expected to impact mRNA splicing.